The following is an entry in ClinVar:

ClinVar aggregate classification (germline): Uncertain significance (1 of 4 stars; one submission).

Submission:

Labcorp Genetics (formerly Invitae), Labcorp
Classification: Uncertain significance. Last evaluated: 2022-07-03. Review status: criteria provided, single submitter. Criteria: Invitae Variant Classification Sherloc (09022015). Collection method: clinical testing. Allele origin: germline.
Comment: In summary, the available evidence is currently insufficient to determine the role of this variant in disease. Therefore, it has been classified as a Variant of Uncertain Significance. Experimental studies and prediction algorithms are not available or were not evaluated, and the functional significance of this variant is currently unknown. This variant has not been reported in the literature in individuals affected with CTNNA1-related conditions. This variant results in a copy number gain of the genomic region encompassing exon(s) 2-3 of the CTNNA1 gene. This region includes the initiator codon of the gene. This copy number gain extends beyond the assayed region for this gene and therefore may encompass additional genes. As the precise location of this event is unknown, it may be in tandem or it may be located elsewhere in the genome.

NC_000005.9:g.(?_138117614)_(138119071_?)dup

Gene: CTNNA1 (catenin alpha 1; plus strand). Cytogenetic location: 5q31.2.
Variant type: Duplication.
Identifiers: ClinVar variation 1439650 (VCV001439650.5).